The following is an entry in ClinVar:

ClinVar aggregate classification (germline): Uncertain significance (1 of 4 stars; one submission).

Submission:

GeneDx
Classification: Uncertain significance. Last evaluated: 2023-03-07. Review status: criteria provided, single submitter. Criteria: GeneDx Variant Classification Process June 2021. Collection method: clinical testing. Allele origin: germline. Affected: yes.
Comment: Not observed at significant frequency in large population cohorts (gnomAD); In silico analysis supports that this variant does not alter splicing; Has not been previously published as pathogenic or benign to our knowledge

NM_016239.4(MYO15A):c.5212-11C>T

Gene: MYO15A (myosin XVA; plus strand). Cytogenetic location: 17p11.2.
Variant type: single nucleotide variant.
Coding change: c.5212-11C>T on transcript NM_016239.4 (MANE Select); 11 bases into the intron before coding-DNA position 5212, C replaced by T.
Molecular consequence: intron variant.
Genome position (GRCh38, 1-based): chr17:18,140,506, C>T. VCF-style: chr17-18140506-C-T. GRCh37 (hg19) VCF-style: chr17-18043820-C-T.
Identifiers: ClinVar variation 2579506 (VCV002579506.1), dbSNP rs2545252897, ClinGen allele CA2580617897.